The following is an entry in ClinVar:

NC_000010.11:g.(?_13278301)_(13329788_?)dup

Genes: SEPHS1 (selenophosphate synthetase 1; minus strand), PHYH (phytanoyl-CoA 2-hydroxylase; minus strand). Cytogenetic location: 10p13.
Variant type: Duplication.
Identifiers: ClinVar variation 832735 (VCV000832735.1).

ClinVar aggregate classification (germline): Uncertain significance (1 of 4 stars; one submission).

Submission:

Labcorp Genetics (formerly Invitae), Labcorp
Classification: Uncertain significance. Last evaluated: 2019-10-04. Review status: criteria provided, single submitter. Criteria: Invitae Variant Classification Sherloc (09022015). Collection method: clinical testing. Allele origin: germline.
Comment: This variant results in a copy number gain of the genomic region encompassing the full coding sequence of the PHYH gene. The boundaries of this event are unknown as they extend beyond the assayed region for this gene and therefore may encompass additional genes. As the precise location of this event is unknown, it may be in tandem or it may be located elsewhere in the genome. This variant has not been reported in the literature in individuals with PHYH-related conditions. In summary, the available evidence is currently insufficient to determine the role of this variant in disease. Therefore, it has been classified as a Variant of Uncertain Significance.